The following is an entry in ClinVar:

ClinVar aggregate classification (germline): Pathogenic (1 of 4 stars; one submission).

Submission:

Labcorp Genetics (formerly Invitae), Labcorp
Classification: Pathogenic. Last evaluated: 2023-01-07. Review status: criteria provided, single submitter. Criteria: Invitae Variant Classification Sherloc (09022015). Collection method: clinical testing. Allele origin: germline.
Comment: This sequence change creates a premature translational stop signal (p.Gly1928Glufs*77) in the COL7A1 gene. It is expected to result in an absent or disrupted protein product. Loss-of-function variants in COL7A1 are known to be pathogenic (PMID: 16971478). This variant is not present in population databases (gnomAD no frequency). This variant has not been reported in the literature in individuals affected with COL7A1-related conditions. For these reasons, this variant has been classified as Pathogenic.

Literature cited by the submitters: PubMed 16971478.

NM_000094.4(COL7A1):c.5783del (p.Gly1928fs)

Gene: COL7A1 (collagen type VII alpha 1 chain; minus strand). Cytogenetic location: 3p21.31.
Variant type: Deletion.
Coding change: c.5783del on transcript NM_000094.4 (MANE Select); coding-DNA position 5783, one base deleted (G; older notation c.5783delG).
Protein change: p.Gly1928fs; shifts the reading frame from glycine 1928.
Molecular consequence: frameshift variant.
Genome position (GRCh38, 1-based): chr3:48,576,286, C deleted on the plus strand (G on the coding strand, the reverse complement: COL7A1 is on the minus strand); the first of 2 consecutive C bases (chr3:48,576,286-48,576,287); deleting either gives the same sequence. VCF-style (leftmost placement, unchanged base first): chr3-48576285-TC-T. GRCh37 (hg19) VCF-style: chr3-48613718-TC-T.
Other names: short protein forms G1928fs.
Identifiers: ClinVar variation 2826729 (VCV002826729.3), dbSNP rs2530992842, ClinGen allele CA2739279100.